The following is an entry in ClinVar:

ClinVar aggregate classification (germline): Conflicting classifications of pathogenicity. Review status: criteria provided, conflicting classifications (1 of 4 stars). 4 submissions from 4 submitters: Uncertain significance (3); Likely benign (1). Last evaluated 2025-10-27.

Conditions:
Basal cell nevus syndrome 1 (BCNS1). Also called: GORLIN-GOLTZ SYNDROME; MULTIPLE BASAL CELL NEVI, ODONTOGENIC KERATOCYSTS, AND SKELETAL ANOMALIES. Identifiers: MedGen CN376810, MONDO:0958174, OMIM 109400.
PTCH2-related disorder. Also called: PTCH2-related condition; PTCH2-related disease.
Gorlin syndrome. Also called: Nevoid Basal Cell Carcinoma Syndrome; Basal cell nevus syndrome. Identifiers: Orphanet 377, MedGen C0004779, MONDO:0007187.

Allele frequency attached by ClinVar (database versions not stated): ExAC 0.00002; gnomAD exomes 0.00002 and 0.00004; gnomAD 0.00004; TOPMed 0.00006; ESP Exome Variant Server 0.00008.
gnomAD v4.1: 33 of 1,613,824 alleles (0.002%); highest among the groups gnomAD compares: Admixed American, 0.017%; no homozygotes.

Submissions (4):

Labcorp Genetics (formerly Invitae), Labcorp
Classification: Uncertain significance for Gorlin syndrome. Last evaluated: 2025-10-27. Review status: criteria provided, single submitter. Criteria: Invitae Variant Classification Sherloc (09022015). Collection method: clinical testing. Allele origin: germline.
Comment: This sequence change replaces glycine, which is neutral and non-polar, with arginine, which is basic and polar, at codon 587 of the PTCH2 protein (p.Gly587Arg). This variant is present in population databases (rs375844056, gnomAD 0.03%). This variant has not been reported in the literature in individuals affected with PTCH2-related conditions. ClinVar contains an entry for this variant (Variation ID: 859065). An algorithm developed to predict the effect of missense changes on protein structure and function outputs the following: PolyPhen-2: "Benign". The arginine amino acid residue is found in multiple mammalian species, which suggests that this missense change does not adversely affect protein function. In summary, the available evidence is currently insufficient to determine the role of this variant in disease. Therefore, it has been classified as a Variant of Uncertain Significance.

PreventionGenetics, part of Exact Sciences
Classification: Uncertain significance for PTCH2-related condition. Last evaluated: 2025-07-30. Review status: criteria provided, single submitter. Criteria: ACMG Guidelines, 2015. Collection method: clinical testing. Allele origin: germline.
Comment: The PTCH2 c.1759G>A variant is predicted to result in the amino acid substitution p.Gly587Arg. To our knowledge, this variant has not been reported in the literature. This variant is reported in 0.025% of alleles in individuals of Latino descent in gnomAD and has conflicting interpretations in ClinVar ranging from uncertain to likely benign (Variation ID: 859065). At this time, the clinical significance of this variant is uncertain due to the absence of conclusive functional and genetic evidence.

St. Jude Molecular Pathology, St. Jude Children's Research Hospital
Classification: Uncertain significance for Basal cell nevus syndrome 1. Last evaluated: 2024-09-25. Review status: criteria provided, single submitter. Criteria: St. Jude Assertion Criteria 2020. Collection method: clinical testing. Allele origin: germline.
Comment: The PTCH2 c.1759G>A (p.Gly587Arg) missense change has a maximum subpopulation frequency of 0.03% in gnomAD v2.1.1. The in silico tool REVEL predicts a benign effect on protein function, but to our knowledge this prediction has not been confirmed by functional studies. To our knowledge, this variant has not been reported in individuals with nevoid basal cell carcinoma syndrome.??In summary, the evidence currently available is insufficient to determine the clinical significance of this variant. It has therefore been classified as of uncertain significance.??

Ambry Genetics
Classification: Likely benign. Last evaluated: 2021-09-17. Review status: criteria provided, single submitter. Criteria: Ambry Variant Classification Scheme 2023. Collection method: clinical testing. Allele origin: germline.

NM_003738.5(PTCH2):c.1759G>A (p.Gly587Arg)

Gene: PTCH2 (patched 2; minus strand). Cytogenetic location: 1p34.1.
Variant type: single nucleotide variant.
Coding change: c.1759G>A on transcript NM_003738.5 (MANE Select); coding-DNA position 1759, G replaced by A.
Protein change: p.Gly587Arg; replaces glycine 587 with arginine.
Molecular consequence: missense variant.
Genome position (GRCh38, 1-based): chr1:44,828,142, C>T on the plus strand (G>A on the coding strand, the complement: PTCH2 is on the minus strand). VCF-style: chr1-44828142-C-T. GRCh37 (hg19) VCF-style: chr1-45293814-C-T.
Other names: c.1759G>A, p.Gly587Arg (NM_001166292.2); short protein forms G587R.
Identifiers: ClinVar variation 859065 (VCV000859065.11), dbSNP rs375844056, ClinGen allele CA823171.
Genomic context (GRCh38, chr1:44,828,142, plus strand): 5'-CACAGTGGGTAAAGGCTTGAACTGTGGCAGTGAGGTGGGCAATGCCCACTGGTACTGTCC[C>T]GTCCCCCAGCTCCTGGGGCAGGATCTGAATCACCTGAGCAGAGCAGGGACTGGAAGAGGT-3'
Protein context (NP_003729.3, residues 577-597): IQILPQELGD[Gly587Arg]TVPVGIAHLT